The following is an entry in ClinVar:

ClinVar aggregate classification (germline): Uncertain significance (1 of 4 stars; one submission).

gnomAD v4.1: 5 of 1,610,642 alleles (0.00031%); highest among the groups gnomAD compares: Non-Finnish European, 0.00042%; no homozygotes.

Submission:

Ambry Genetics
Classification: Uncertain significance. Last evaluated: 2024-12-08. Review status: criteria provided, single submitter. Criteria: Ambry Variant Classification Scheme 2023. Collection method: clinical testing. Allele origin: germline.
Comment: The p.G1983D variant (also known as c.5948G>A), located in coding exon 24 of the WNK2 gene, results from a G to A substitution at nucleotide position 5948. The glycine at codon 1983 is replaced by aspartic acid, an amino acid with similar properties. This amino acid position is conserved. In addition, this alteration is predicted to be tolerated by in silico analysis. Based on the available evidence, the clinical significance of this variant remains unclear.

NM_006648.4(WNK2):c.5948G>A (p.Gly1983Asp)

Gene: WNK2 (WNK lysine deficient protein kinase 2; plus strand). Cytogenetic location: 9q22.31.
Variant type: single nucleotide variant.
Coding change: c.5948G>A on transcript NM_006648.4 (MANE Select); coding-DNA position 5948, G replaced by A.
Protein change: p.Gly1983Asp; replaces glycine 1983 with aspartic acid.
Molecular consequence: missense variant.
Genome position (GRCh38, 1-based): chr9:93,299,094, G>A. VCF-style: chr9-93299094-G-A. GRCh37 (hg19) VCF-style: chr9-96061376-G-A.
Other names: c.6059G>A, p.Gly2020Asp (NM_001282394.3); short protein forms G2020D, G1983D.
Identifiers: ClinVar variation 3470679 (VCV003470679.1).